The following is an entry in ClinVar:

NM_001242835.2(NDRG4):c.814-13C>T

Gene: NDRG4 (NDRG family member 4; plus strand). Cytogenetic location: 16q21.
Variant type: single nucleotide variant.
Coding change: c.814-13C>T on transcript NM_001242835.2 (MANE Select); 13 bases into the intron before coding-DNA position 814, C replaced by T.
Molecular consequence: intron variant.
Genome position (GRCh38, 1-based): chr16:58,509,288, C>T. VCF-style: chr16-58509288-C-T. GRCh37 (hg19) VCF-style: chr16-58543192-C-T.
Other names: c.910-13C>T (NM_001378346.1, NM_001378345.1, NM_020465.4 and 1 more transcripts); c.1000-13C>T (NM_001378339.1, NM_001378340.1); c.964-13C>T (NM_001378338.1, NM_001378342.1); c.1060-13C>T (NM_001378332.1, NM_001378334.1); c.649-13C>T (NM_001363869.2); c.1024-13C>T (NM_001378333.1, NM_001378335.1); c.970-13C>T (NM_001378336.1, NM_001130487.2); c.1003-13C>T (NM_001378337.1); and 4 more.
Identifiers: ClinVar variation 1344986 (VCV001344986.3), dbSNP rs201911487, ClinGen allele CA8087768.
Genomic context (GRCh38, chr16:58,509,288, plus strand): 5'-AGGGGGAAGCCTCTACCCTACCTGCTAATCCTAGGCAGCCAATGAAAGCATGTGCTTGTC[C>T]TGCCCTCCGCAGCCAGGGAAGCTGACTGAAGCCTTCAAATACTTCCTGCAAGGCATGGGC-3'

ClinVar aggregate classification (germline): Likely benign. Review status: criteria provided, multiple submitters, no conflicts (2 of 4 stars). 2 submissions from 2 submitters: Likely benign (2). Last evaluated 2021-06-18.

Allele frequency attached by ClinVar (database versions not stated): 1000 Genomes Project 30x 0.00031; 1000 Genomes Project 0.00040; gnomAD 0.00090 and 0.00091; TOPMed 0.00109; gnomAD exomes 0.00125; ExAC 0.00126; ESP Exome Variant Server 0.00169.
gnomAD v4.1: 2,924 of 1,614,052 alleles (0.18%); highest among the groups gnomAD compares: Middle Eastern, 0.74%; 5 homozygotes.

Submissions (2):

GeneDx
Classification: Likely benign. Last evaluated: 2021-06-18. Review status: criteria provided, single submitter. Criteria: GeneDx Variant Classification Process June 2021. Collection method: clinical testing. Allele origin: germline. Affected: yes.
Comment: Variants in candidate genes are classified as variants of uncertain significance in accordance with ACMG guidelines (Richards et al., 2015); This variant is associated with the following publications: (PMID: 25741868, 27535533)

Breakthrough Genomics
Classification: Likely benign. Review status: criteria provided, single submitter. Criteria: ACMG Guidelines, 2015. Collection method: not provided. Allele origin: germline. Inheritance: Unknown mechanism. Affected: yes.